The following is an entry in ClinVar:

ClinVar aggregate classification (germline): Uncertain significance. Review status: criteria provided, multiple submitters, no conflicts (2 of 4 stars). 2 submissions from 2 submitters: Uncertain significance (2). Last evaluated 2025-08-13.

Conditions:
Noonan syndrome 9 (NS9). Identifiers: Orphanet 648, MedGen C4225282, MONDO:0014691, OMIM 616559.
Cardiovascular phenotype. Identifiers: MedGen CN230736.

Allele frequency attached by ClinVar (database versions not stated): gnomAD exomes below 0.00001; ExAC 0.00001; gnomAD 0.00001.
gnomAD v4.1: 4 of 1,607,270 alleles (0.00025%); highest among the groups gnomAD compares: African/African-American, 0.0027%; no homozygotes.

Submissions (2):

Labcorp Genetics (formerly Invitae), Labcorp
Classification: Uncertain significance for Noonan syndrome 9. Last evaluated: 2025-08-13. Review status: criteria provided, single submitter. Criteria: Invitae Variant Classification Sherloc (09022015). Collection method: clinical testing. Allele origin: germline.
Comment: This sequence change replaces serine, which is neutral and polar, with glycine, which is neutral and non-polar, at codon 805 of the SOS2 protein (p.Ser805Gly). This variant is present in population databases (rs768729855, gnomAD 0.007%). This variant has not been reported in the literature in individuals affected with SOS2-related conditions. ClinVar contains an entry for this variant (Variation ID: 2189659). Invitae Evidence Modeling of protein sequence and biophysical properties (such as structural, functional, and spatial information, amino acid conservation, physicochemical variation, residue mobility, and thermodynamic stability) has been performed for this missense variant. However, the output from this modeling did not meet the statistical confidence thresholds required to predict the impact of this variant on SOS2 protein function. In summary, the available evidence is currently insufficient to determine the role of this variant in disease. Therefore, it has been classified as a Variant of Uncertain Significance.

Ambry Genetics
Classification: Uncertain significance for Cardiovascular phenotype. Last evaluated: 2025-04-19. Review status: criteria provided, single submitter. Criteria: Ambry Variant Classification Scheme 2023. Collection method: clinical testing. Allele origin: germline.
Comment: The p.S805G variant (also known as c.2413A>G), located in coding exon 15 of the SOS2 gene, results from an A to G substitution at nucleotide position 2413. The serine at codon 805 is replaced by glycine, an amino acid with similar properties. This amino acid position is conserved. In addition, this alteration is predicted to be tolerated by in silico analysis. Based on the available evidence, the clinical significance of this variant remains unclear.

NM_006939.4(SOS2):c.2413A>G (p.Ser805Gly)

Gene: SOS2 (SOS Ras/Rho guanine nucleotide exchange factor 2; minus strand). Cytogenetic location: 14q21.3.
Variant type: single nucleotide variant.
Coding change: c.2413A>G on transcript NM_006939.4 (MANE Select); coding-DNA position 2413, A replaced by G.
Protein change: p.Ser805Gly; replaces serine 805 with glycine.
Molecular consequence: missense variant.
Genome position (GRCh38, 1-based): chr14:50,145,568, T>C on the plus strand (A>G on the coding strand, the complement: SOS2 is on the minus strand). VCF-style: chr14-50145568-T-C. GRCh37 (hg19) VCF-style: chr14-50612286-T-C.
Other names: c.2314A>G, p.Ser772Gly (NM_001411020.1); c.2413A>G (NM_006939.2); short protein forms S772G, S805G.
Identifiers: ClinVar variation 2189659 (VCV002189659.5), dbSNP rs768729855, ClinGen allele CA7177030.
Genomic context (GRCh38, chr14:50,145,568, plus strand): 5'-GGCGAATCATTTTTAATAAATTTGGAGAATTTATTTCTTTATCTTCTTTGGTCCACACAC[T>C]CCCTACAAGTTCAGACGGTTGAACTTTCCTATGGAATTGAAAATCAGTGCAACTTAACCT-3'
Protein context (NP_008870.2, residues 795-815): RKVQPSELVG[Ser805Gly]VWTKEDKEIN